The following is an entry in ClinVar:

ClinVar aggregate classification (germline): Uncertain significance (1 of 4 stars; one submission).

Allele frequency attached by ClinVar (database versions not stated): gnomAD 0.00001; gnomAD exomes 0.00001; TOPMed 0.00001; ExAC 0.00003.
gnomAD v4.1: 10 of 1,599,826 alleles (0.00063%); highest among the groups gnomAD compares: Middle Eastern, 0.017%; no homozygotes.

Submission:

Labcorp Genetics (formerly Invitae), Labcorp
Classification: Uncertain significance. Last evaluated: 2023-02-09. Review status: criteria provided, single submitter. Criteria: Invitae Variant Classification Sherloc (09022015). Collection method: clinical testing. Allele origin: germline.
Comment: An algorithm developed to predict the effect of missense changes on protein structure and function (PolyPhen-2) suggests that this variant¬† is likely to be tolerated. In summary, the available evidence is currently insufficient to determine the role of this variant in disease. Therefore, it has been classified as a Variant of Uncertain Significance. This variant has not been reported in the literature in individuals affected with PNLIP-related conditions. This variant is present in population databases (rs763765843, gnomAD 0.01%). This sequence change replaces serine, which is neutral and polar, with leucine, which is neutral and non-polar, at codon 154 of the PNLIP protein (p.Ser154Leu).

NM_000936.4(PNLIP):c.461C>T (p.Ser154Leu)

Gene: PNLIP (pancreatic lipase; plus strand). Cytogenetic location: 10q25.3.
Variant type: single nucleotide variant.
Coding change: c.461C>T on transcript NM_000936.4 (MANE Select); coding-DNA position 461, C replaced by T.
Protein change: p.Ser154Leu; replaces serine 154 with leucine.
Molecular consequence: missense variant.
Genome position (GRCh38, 1-based): chr10:116,553,728, C>T. VCF-style: chr10-116553728-C-T. GRCh37 (hg19) VCF-style: chr10-118313240-C-T.
Other names: short protein forms S154L.
Identifiers: ClinVar variation 2181807 (VCV002181807.2), dbSNP rs763765843, ClinGen allele CA5706498.